The following is an entry in ClinVar:

ClinVar aggregate classification (germline): Uncertain significance (1 of 4 stars; one submission).

Submission:

Dasa
Classification: Uncertain significance. Last evaluated: 2025-11-27. Review status: criteria provided, single submitter. Criteria: DASA Assertion Criteria. Collection method: clinical testing. Allele origin: germline.
Comment: NM_001197104.2(KMT2A):c.722T>C (p.Ile241Thr) is a missense variant that results in the substitution of isoleucine with threonine. This variant is rare in population databases. Computational prediction algorithms are consistent with a benign effect. The currently available literature and clinical evidence are not sufficient to establish a definitive association between this variant and the reported condition. Therefore, this variant is classified as a variant of uncertain significance.

NM_001197104.2(KMT2A):c.722T>C (p.Ile241Thr)

Gene: KMT2A (lysine methyltransferase 2A; plus strand). Cytogenetic location: 11q23.3.
Variant type: single nucleotide variant.
Coding change: c.722T>C on transcript NM_001197104.2 (MANE Select); coding-DNA position 722, T replaced by C.
Protein change: p.Ile241Thr; replaces isoleucine 241 with threonine.
Molecular consequence: missense variant.
Genome position (GRCh38, 1-based): chr11:118,471,881, T>C. VCF-style: chr11-118471881-T-C. GRCh37 (hg19) VCF-style: chr11-118342596-T-C.
Other names: c.821T>C, p.Ile274Thr (NM_001412597.1); c.722T>C, p.Ile241Thr (NM_005933.4); short protein forms I241T, I274T.
Identifiers: ClinVar variation 4885666 (VCV004885666.2).